The following is an entry in ClinVar:

NM_002472.3(MYH8):c.2230G>A (p.Ala744Thr)

Genes: MYH8 (myosin heavy chain 8; minus strand), MYHAS (myosin heavy chain gene cluster antisense RNA; plus strand). Cytogenetic location: 17p13.1.
Variant type: single nucleotide variant.
Coding change: c.2230G>A on transcript NM_002472.3 (MANE Select); coding-DNA position 2230, G replaced by A.
Protein change: p.Ala744Thr; replaces alanine 744 with threonine.
Molecular consequence: missense variant.
Genome position (GRCh38, 1-based): chr17:10,406,339, C>T on the plus strand (G>A on the coding strand, the complement: MYH8 is on the minus strand). VCF-style: chr17-10406339-C-T. GRCh37 (hg19) VCF-style: chr17-10309656-C-T.
Other names: short protein forms A744T.
Identifiers: ClinVar variation 1309298 (VCV001309298.2), dbSNP rs2072193064, ClinGen allele CA398118892.

ClinVar aggregate classification (germline): Uncertain significance (1 of 4 stars; one submission).

gnomAD v4.1: 1 of 1,613,222 alleles (0.000062%); highest among the groups gnomAD compares: South Asian, 0.0011%; no homozygotes.

Submission:

GeneDx
Classification: Uncertain significance. Last evaluated: 2019-09-05. Review status: criteria provided, single submitter. Criteria: GeneDx Variant Classification Process June 2021. Collection method: clinical testing. Allele origin: germline. Affected: yes.
Comment: Not observed in large population cohorts (Lek et al., 2016); In silico analysis, which includes protein predictors and evolutionary conservation, supports a deleterious effect; Has not been previously published as pathogenic or benign to our knowledge